The following is an entry in ClinVar:

NM_000203.5(IDUA):c.523_534del (p.Trp175_Glu178del)

Gene: IDUA (alpha-L-iduronidase; plus strand). Cytogenetic location: 4p16.3.
Variant type: Deletion.
Coding change: c.523_534del on transcript NM_000203.5 (MANE Select); coding-DNA positions 523 to 534, 12 bases deleted (TGGAACTTCGAG).
Protein change: p.Trp175_Glu178del.
Molecular consequence: inframe deletion. On other transcripts: non-coding transcript variant (1).
Genome position (GRCh38, 1-based): chr4:1,001,497-1,001,508, TGGAACTTCGAG deleted; deleting any 12 consecutive bases within chr4:1,001,495-1,001,508 gives the same sequence; the c. name uses the placement nearest the transcript's 3' end. VCF-style (leftmost placement, unchanged base first): chr4-1001494-AAGTGGAACTTCG-A. GRCh37 (hg19) VCF-style: chr4-995282-AAGTGGAACTTCG-A.
Other names: NM_000203.5(IDUA):c.523_534del; p.Trp175_Glu178del; c.127_138del, p.Trp43_Glu46del (NM_001363576.1).
Identifiers: ClinVar variation 2734635 (VCV002734635.4), dbSNP rs2534082809, ClinGen allele CA645372297.

ClinVar aggregate classification (germline): Likely pathogenic. Review status: reviewed by expert panel (3 of 4 stars). 2 submissions from 2 submitters: Likely pathogenic (1). 1 of the submissions does not count toward it. Last evaluated 2026-07-07.

Conditions:
Mucopolysaccharidosis type 1. Also called: IDUA deficiency; MPS I; Mucopolysaccharidosis Type I. Identifiers: Orphanet 579, MedGen C0023786, MONDO:0001586.

Submissions (2):

ClinGen Lysosomal Storage Disorder Variant Curation Expert Panel
Classification: Likely pathogenic for Mucopolysaccharidosis type 1. Last evaluated: 2026-07-07. Review status: reviewed by expert panel. Criteria: ClinGen LSD ACMG Specifications IDUA V1.2.0. Collection method: curation. Allele origin: germline. Inheritance: Autosomal recessive inheritance.
Comment: The NM_000203.4:c.523_534del variant in IDUA is an in-frame deletion that is predicted to cause loss of four amino acids (p.Trp175_Glu178del) (PM4). This variant has been reported in at least two individuals with MPS I, both of whom were homozygous for the variant (PMIDs: 33301762 and 28752568) (1 point) (PM3). One reported case (PMID 33301762) had sufficient specificity to apply the PP4 criterion. This variant is absent in gnomAD v4.1.0. (PM2_Supporting). In silico tools give contrasting predictions about the pathogenicity of this variant (Mutation Taster = "polymorphism", MutPred = 0.82223 = "pathogenic"), hence PP3 is not met. There is a ClinVar entry for this variant (Variation ID: 2734635). There is at least one larger in-frame deletion (c.523_543del) in the same region. In summary, this variant meets the criteria to be classified as likely pathogenic for MPS I based on the IDUA-specific ACMG/AMP criteria applied, as specified by the ClinGen Lysosomal Diseases Variant Curation Expert Panel (Specifications Version 1.2.0): PM2_Supporting, PM3, PM4, PP4. (Classification approved by the ClinGen Lysosomal Diseases Variant Curation Expert Panel on July 7, 2026)

Labcorp Genetics (formerly Invitae), Labcorp
Classification: Pathogenic for Mucopolysaccharidosis type 1. Last evaluated: 2023-05-02. Review status: criteria provided, single submitter. Criteria: Invitae Variant Classification Sherloc (09022015). Collection method: clinical testing. Allele origin: germline. Not counted in ClinVar's aggregate classification.
Comment: For these reasons, this variant has been classified as Pathogenic. This variant disrupts a region of the IDUA protein in which other variant(s) (p.Trp175Arg) have been determined to be pathogenic (PMID: 28844463). This suggests that this is a clinically significant region of the protein, and that variants that disrupt it are likely to be disease-causing. Algorithms developed to predict the effect of sequence changes on RNA splicing suggest that this variant may disrupt the consensus splice site. This variant has been observed in individual(s) with mucopolysaccharidosis type I (PMID: 28752568, 33301762). This variant is not present in population databases (gnomAD no frequency). This variant, c.523_534del, results in the deletion of 4 amino acid(s) of the IDUA protein (p.Trp175_Glu178del), but otherwise preserves the integrity of the reading frame.

Literature cited by the submitters: PubMed 28844463 (cited by Labcorp Genetics (formerly Invitae), Labcorp); PubMed 28752568 (cited by Labcorp Genetics (formerly Invitae), Labcorp); PubMed 33301762 (cited by Labcorp Genetics (formerly Invitae), Labcorp).